The following is an entry in ClinVar:

ClinVar aggregate classification (germline): Conflicting classifications of pathogenicity. Review status: criteria provided, conflicting classifications (1 of 4 stars). 2 submissions from 2 submitters: Uncertain significance (1); Likely benign (1). Last evaluated 2025-01-23.

Conditions:
Inborn genetic diseases. Identifiers: MedGen C0950123, MeSH D030342.

Allele frequency attached by ClinVar (database versions not stated): TOPMed 0.00005; gnomAD 0.00007; ExAC 0.00013.
gnomAD v4.1: 164 of 1,613,458 alleles (0.01%); highest among the groups gnomAD compares: South Asian, 0.033%; 1 homozygote.

Submissions (2):

Ambry Genetics
Classification: Likely benign for Inborn genetic diseases. Last evaluated: 2025-01-23. Review status: criteria provided, single submitter. Criteria: Ambry Variant Classification Scheme 2023. Collection method: clinical testing. Allele origin: germline.

Labcorp Genetics (formerly Invitae), Labcorp
Classification: Uncertain significance. Last evaluated: 2024-12-02. Review status: criteria provided, single submitter. Criteria: Invitae Variant Classification Sherloc (09022015). Collection method: clinical testing. Allele origin: germline.
Comment: This sequence change replaces asparagine, which is neutral and polar, with serine, which is neutral and polar, at codon 761 of the CNOT1 protein (p.Asn761Ser). This variant is present in population databases (rs754113666, gnomAD 0.03%), and has an allele count higher than expected for a pathogenic variant. This variant has not been reported in the literature in individuals affected with CNOT1-related conditions. ClinVar contains an entry for this variant (Variation ID: 1976998). An algorithm developed to predict the effect of missense changes on protein structure and function (PolyPhen-2) suggests that this variant is likely to be tolerated. In summary, the available evidence is currently insufficient to determine the role of this variant in disease. Therefore, it has been classified as a Variant of Uncertain Significance.

NM_016284.5(CNOT1):c.2282A>G (p.Asn761Ser)

Gene: CNOT1 (CCR4-NOT transcription complex subunit 1; minus strand). Cytogenetic location: 16q21.
Variant type: single nucleotide variant.
Coding change: c.2282A>G on transcript NM_016284.5 (MANE Select); coding-DNA position 2282, A replaced by G.
Protein change: p.Asn761Ser; replaces asparagine 761 with serine.
Molecular consequence: missense variant. On other transcripts: non-coding transcript variant (1).
Genome position (GRCh38, 1-based): chr16:58,558,523, T>C on the plus strand (A>G on the coding strand, the complement: CNOT1 is on the minus strand). VCF-style: chr16-58558523-T-C. GRCh37 (hg19) VCF-style: chr16-58592427-T-C.
Other names: c.2282A>G, p.Asn761Ser (NM_001265612.2, NM_206999.3); c.2282A>G (NM_016284.3); short protein forms N761S.
Identifiers: ClinVar variation 1976998 (VCV001976998.6), dbSNP rs754113666, ClinGen allele CA8089685.
Genomic context (GRCh38, chr16:58,558,523, plus strand): 5'-TCCCCCTTACCTGGAAGCTGTGATGAAAGTCCTCCAATACCACTGAATGCAGTGGTCTGA[T>C]TGGGGGTTGAAAGGGGTGGAAATGCTTTTGCTGGTGACTGAGGGGTACTGAATGCAGAAC-3'
Protein context (NP_057368.3, residues 751-771): AKAFPPLSTP[Asn761Ser]QTTAFSGIGG